The following is an entry in ClinVar:

NM_138713.4(NFAT5):c.2287C>A (p.Pro763Thr)

Gene: NFAT5 (nuclear factor of activated T cells 5; plus strand). Cytogenetic location: 16q22.1.
Variant type: single nucleotide variant.
Coding change: c.2287C>A on transcript NM_138713.4 (MANE Select); coding-DNA position 2287, C replaced by A.
Protein change: p.Pro763Thr; replaces proline 763 with threonine.
Molecular consequence: missense variant.
Genome position (GRCh38, 1-based): chr16:69,692,112, C>A. VCF-style: chr16-69692112-C-A. GRCh37 (hg19) VCF-style: chr16-69726015-C-A.
Other names: c.2287C>A (NM_138713.3); c.2287C>A, p.Pro763Thr (LRG_1332t1); c.2284C>A, p.Pro762Thr (NM_001113178.3); c.1612C>A, p.Pro538Thr (NM_001367709.1); c.2233C>A, p.Pro745Thr (NM_006599.4); c.2005C>A, p.Pro669Thr (NM_138714.4, NM_173214.3, NM_173215.3); short protein forms P669T, P762T, P763T, P538T, P745T.
Identifiers: ClinVar variation 642777 (VCV000642777.9), dbSNP rs372430182, ClinGen allele CA8135745.

ClinVar aggregate classification (germline): Uncertain significance. Review status: criteria provided, multiple submitters, no conflicts (2 of 4 stars). 2 submissions from 2 submitters: Uncertain significance (2). Last evaluated 2025-11-03.

Conditions:
Immunodeficiency. Identifiers: MedGen C0021051, MONDO:0021094, HP:0002721.

Allele frequency attached by ClinVar (database versions not stated): gnomAD exomes 0.00002 and 0.00001; gnomAD 0.00003 and 0.00004; TOPMed 0.00004; ESP Exome Variant Server 0.00008; ExAC 0.00002.
gnomAD v4.1: 33 of 1,614,016 alleles (0.002%); highest among the groups gnomAD compares: East Asian, 0.018%; no homozygotes.

Submissions (2):

Labcorp Genetics (formerly Invitae), Labcorp
Classification: Uncertain significance for Immunodeficiency. Last evaluated: 2025-11-03. Review status: criteria provided, single submitter. Criteria: Invitae Variant Classification Sherloc (09022015). Collection method: clinical testing. Allele origin: germline.
Comment: This sequence change replaces proline, which is neutral and non-polar, with threonine, which is neutral and polar, at codon 669 of the NFAT5 protein (p.Pro669Thr). This variant is present in population databases (rs372430182, gnomAD 0.03%). This variant has not been reported in the literature in individuals affected with NFAT5-related conditions. ClinVar contains an entry for this variant (Variation ID: 642777). An algorithm developed to predict the effect of missense changes on protein structure and function (PolyPhen-2) suggests that this variant is likely to be tolerated. In summary, the available evidence is currently insufficient to determine the role of this variant in disease. Therefore, it has been classified as a Variant of Uncertain Significance.

Ambry Genetics
Classification: Uncertain significance. Last evaluated: 2025-06-03. Review status: criteria provided, single submitter. Criteria: Ambry Variant Classification Scheme 2023. Collection method: clinical testing. Allele origin: germline.